The following is an entry in ClinVar:

ClinVar aggregate classification (germline): Pathogenic (1 of 4 stars; one submission).

Submission:

Labcorp Genetics (formerly Invitae), Labcorp
Classification: Pathogenic. Last evaluated: 2022-04-29. Review status: criteria provided, single submitter. Criteria: Invitae Variant Classification Sherloc (09022015). Collection method: clinical testing. Allele origin: germline.
Comment: For these reasons, this variant has been classified as Pathogenic. This variant has not been reported in the literature in individuals affected with LAMA3-related conditions. This variant is not present in population databases (gnomAD no frequency). This sequence change creates a premature translational stop signal (p.Glu581*) in the LAMA3 gene. It is expected to result in an absent or disrupted protein product. Loss-of-function variants in LAMA3 are known to be pathogenic (PMID: 10366601, 11810295, 12915477, 16473856, 17362460, 22434185, 23869449, 27827380, 28087116).

Literature cited by the submitters: PubMed 10366601; PubMed 11810295; PubMed 12915477; PubMed 16473856; PubMed 17362460; PubMed 22434185; PubMed 23869449; PubMed 27827380; PubMed 28087116.

NM_198129.4(LAMA3):c.6568G>T (p.Glu2190Ter)

Gene: LAMA3 (laminin subunit alpha 3; plus strand). Cytogenetic location: 18q11.2.
Variant type: single nucleotide variant.
Coding change: c.6568G>T on transcript NM_198129.4 (MANE Select); coding-DNA position 6568, G replaced by T.
Protein change: p.Glu2190Ter; replaces glutamic acid 2190 with a stop codon.
Molecular consequence: nonsense.
Genome position (GRCh38, 1-based): chr18:23,904,647, G>T. VCF-style: chr18-23904647-G-T. GRCh37 (hg19) VCF-style: chr18-21484611-G-T.
Other names: c.1741G>T, p.Glu581Ter (NM_000227.6); c.6400G>T, p.Glu2134Ter (NM_001127717.4); c.1573G>T, p.Glu525Ter (NM_001127718.4); short protein forms E2134*, E2190*, E581*, E525*.
Identifiers: ClinVar variation 2131948 (VCV002131948.4), dbSNP rs756295421, ClinGen allele CA402050486.